The following is an entry in ClinVar:

ClinVar aggregate classification (germline): Uncertain significance (1 of 4 stars; one submission).

Conditions:
SH2B1-related disorder. Also called: SH2B1-related condition.

gnomAD v4.1: 2 of 1,613,806 alleles (0.00012%); highest among the groups gnomAD compares: African/African-American, 0.0027%; no homozygotes.

Submission:

PreventionGenetics, part of Exact Sciences
Classification: Uncertain significance for SH2B1-related condition. Last evaluated: 2025-12-15. Review status: criteria provided, single submitter. Criteria: ACMG Guidelines, 2015. Collection method: clinical testing. Allele origin: germline.
Comment: The SH2B1 c.1285G>C variant is predicted to result in the amino acid substitution p.Glu429Gln. To our knowledge, this variant has not been reported in the literature. This variant is reported in 0.011% of alleles in individuals of African descent in gnomAD. At this time, the clinical significance of this variant is uncertain due to the absence of conclusive functional and genetic evidence.

NM_001387430.1(SH2B1):c.1285G>C (p.Glu429Gln)

Gene: SH2B1 (SH2B adaptor protein 1; plus strand). Cytogenetic location: 16p11.2.
Variant type: single nucleotide variant.
Coding change: c.1285G>C on transcript NM_001387430.1 (MANE Select); coding-DNA position 1285, G replaced by C.
Protein change: p.Glu429Gln; replaces glutamic acid 429 with glutamine.
Molecular consequence: missense variant.
Genome position (GRCh38, 1-based): chr16:28,869,359, G>C. VCF-style: chr16-28869359-G-C. GRCh37 (hg19) VCF-style: chr16-28880680-G-C.
Other names: c.1285G>C, p.Glu429Gln (NM_001145795.2, NM_001145796.2, NM_001145797.2 and 4 more transcripts); c.277G>C, p.Glu93Gln (NM_001308294.2); short protein forms E429Q, E93Q.
Identifiers: ClinVar variation 3353800 (VCV003353800.2).